The following is an entry in ClinVar:

NM_000026.4(ADSL):c.1222C>T (p.Gln408Ter)

Gene: ADSL (adenylosuccinate lyase; plus strand). Cytogenetic location: 22q13.1.
Variant type: single nucleotide variant.
Coding change: c.1222C>T on transcript NM_000026.4 (MANE Select); coding-DNA position 1222, C replaced by T.
Protein change: p.Gln408Ter; replaces glutamine 408 with a stop codon.
Molecular consequence: nonsense. On other transcripts: non-coding transcript variant (1), intron variant (1).
Genome position (GRCh38, 1-based): chr22:40,364,910, C>T. VCF-style: chr22-40364910-C-T. GRCh37 (hg19) VCF-style: chr22-40760914-C-T.
Other names: c.1030C>T, p.Gln344Ter (NM_001317923.2); c.1222C>T, p.Gln408Ter (NM_001363840.3); c.1191+545C>T (NM_001123378.3); short protein forms Q344*, Q408*.
Identifiers: ClinVar variation 1455911 (VCV001455911.8), dbSNP rs747964752, ClinGen allele CA10247965.

ClinVar aggregate classification (germline): Pathogenic/Likely pathogenic. Review status: criteria provided, multiple submitters, no conflicts (2 of 4 stars). 3 submissions from 3 submitters: Pathogenic (2); Likely pathogenic (1). Last evaluated 2025-07-18.

Conditions:
ADSL-related disorder. Also called: ADSL-related condition.
Adenylosuccinate lyase deficiency (ADSLD). Also called: ADSL DEFICIENCY. Identifiers: Orphanet 46, MedGen C0268126, MONDO:0007068, OMIM 103050.

Allele frequency attached by ClinVar (database versions not stated): gnomAD exomes below 0.00001; ExAC 0.00001.
gnomAD v4.1: 3 of 1,614,236 alleles (0.00019%); highest among the groups gnomAD compares: Admixed American, 0.0017%; no homozygotes.

Submissions (3):

Labcorp Genetics (formerly Invitae), Labcorp
Classification: Pathogenic for Adenylosuccinate lyase deficiency. Last evaluated: 2025-07-18. Review status: criteria provided, single submitter. Criteria: Invitae Variant Classification Sherloc (09022015). Collection method: clinical testing. Allele origin: germline.
Comment: This sequence change creates a premature translational stop signal (p.Gln408*) in the ADSL gene. It is expected to result in an absent or disrupted protein product. Loss-of-function variants in ADSL are known to be pathogenic (PMID: 10888601, 20177786). The frequency data for this variant in the population databases is considered unreliable, as metrics indicate poor data quality at this position in the gnomAD database. This variant has not been reported in the literature in individuals affected with ADSL-related conditions. ClinVar contains an entry for this variant (Variation ID: 1455911). For these reasons, this variant has been classified as Pathogenic.

Blueprint Genetics
Classification: Likely pathogenic for ADSL-related disorders. Last evaluated: 2024-01-15. Review status: criteria provided, single submitter. Criteria: ACMG Guidelines, 2015. Collection method: clinical testing. Allele origin: germline. Affected: yes. Observed: 1 variant allele.

Mendelics
Classification: Pathogenic for Adenylosuccinate lyase deficiency. Last evaluated: 2022-05-04. Review status: criteria provided, single submitter. Criteria: Mendelics Assertion Criteria 2019. Collection method: clinical testing. Allele origin: germline.

Literature cited by the submitters: PubMed 10888601 (cited by Labcorp Genetics (formerly Invitae), Labcorp); PubMed 20177786 (cited by Labcorp Genetics (formerly Invitae), Labcorp).